The following is an entry in ClinVar:

ClinVar aggregate classification (germline): Uncertain significance (1 of 4 stars; one submission).

Allele frequency attached by ClinVar (database versions not stated): gnomAD exomes below 0.00001.
gnomAD v4.1: 1 of 1,613,686 alleles (0.000062%); highest among the groups gnomAD compares: Non-Finnish European, 0.000085%; no homozygotes.

Submission:

Labcorp Genetics (formerly Invitae), Labcorp
Classification: Uncertain significance. Last evaluated: 2022-02-20. Review status: criteria provided, single submitter. Criteria: Invitae Variant Classification Sherloc (09022015). Collection method: clinical testing. Allele origin: germline.
Comment: In summary, the available evidence is currently insufficient to determine the role of this variant in disease. Therefore, it has been classified as a Variant of Uncertain Significance. Algorithms developed to predict the effect of missense changes on protein structure and function are either unavailable or do not agree on the potential impact of this missense change (SIFT: "Deleterious"; PolyPhen-2: "Possibly Damaging"; Align-GVGD: "Class C15"). This variant has not been reported in the literature in individuals affected with TYRP1-related conditions. This variant is not present in population databases (gnomAD no frequency). This sequence change replaces serine, which is neutral and polar, with phenylalanine, which is neutral and non-polar, at codon 245 of the TYRP1 protein (p.Ser245Phe).

NM_000550.3(TYRP1):c.734C>T (p.Ser245Phe)

Gene: TYRP1 (tyrosinase related protein 1; plus strand). Cytogenetic location: 9p23.
Variant type: single nucleotide variant.
Coding change: c.734C>T on transcript NM_000550.3 (MANE Select); coding-DNA position 734, C replaced by T.
Protein change: p.Ser245Phe; replaces serine 245 with phenylalanine.
Molecular consequence: missense variant.
Genome position (GRCh38, 1-based): chr9:12,698,476, C>T. VCF-style: chr9-12698476-C-T. GRCh37 (hg19) VCF-style: chr9-12698476-C-T.
Other names: short protein forms S245F.
Identifiers: ClinVar variation 2100497 (VCV002100497.4), dbSNP rs2537279983, ClinGen allele CA372939338.